The following is an entry in ClinVar:

NM_005159.5(ACTC1):c.930T>C (p.Gly310=)

Genes: ACTC1 (actin alpha cardiac muscle 1; minus strand), GJD2-DT (GJD2 divergent transcript; plus strand). Cytogenetic location: 15q14.
Variant type: single nucleotide variant.
Coding change: c.930T>C on transcript NM_005159.5 (MANE Select); coding-DNA position 930, T replaced by C.
Protein change: p.Gly310=; no amino-acid change (glycine 310 retained).
Molecular consequence: synonymous variant.
Genome position (GRCh38, 1-based): chr15:34,791,174, A>G on the plus strand (T>C on the coding strand, the complement: ACTC1 is on the minus strand). VCF-style: chr15-34791174-A-G. GRCh37 (hg19) VCF-style: chr15-35083375-A-G.
Other names: c.930T>C (LRG_388t1).
Identifiers: ClinVar variation 487317 (VCV000487317.20), dbSNP rs561081869, ClinGen allele CA043015.

ClinVar aggregate classification (germline): Benign/Likely benign. Review status: criteria provided, multiple submitters, no conflicts (2 of 4 stars). 6 submissions from 6 submitters: Benign (2); Likely benign (3). 1 of the submissions does not count toward it. Last evaluated 2025-09-19.

Conditions:
Hypertrophic cardiomyopathy 11. Also called: ACTC1-Related Familial Hypertrophic Cardiomyopathy. Identifiers: MedGen C2677506, MONDO:0012799, OMIM 612098.
Dilated cardiomyopathy 1R (CMD1R). Identifiers: Orphanet 154, Orphanet 54260, MedGen C3150681, MONDO:0013261, OMIM 613424.
Atrial septal defect 5 (ASD5). Identifiers: Orphanet 1478, MedGen C2748552, MONDO:0013011, OMIM 612794.
ACTC1-related disorder. Also called: ACTC1-related condition.
Cardiovascular phenotype. Identifiers: MedGen CN230736.
Cardiomyopathy (CMYO). Also called: Cardiomyopathies. Identifiers: Orphanet 167848, MedGen C0878544, MONDO:0004994, HP:0001638. Inheritance: Various modes of inheritance.
Hypertrophic cardiomyopathy. Also called: HYPERTROPHIC MYOCARDIOPATHY. Identifiers: Orphanet 217569, MedGen C0007194, MeSH D002312, MONDO:0005045, HP:0001639.

Allele frequency attached by ClinVar (database versions not stated): gnomAD below 0.00001 and 0.00004; TOPMed below 0.00001; gnomAD exomes 0.00007 and 0.00014; ExAC 0.00019; 1000 Genomes Project 30x 0.00031; 1000 Genomes Project 0.00040.
gnomAD v4.1: 103 of 1,613,694 alleles (0.0064%); highest among the groups gnomAD compares: South Asian, 0.11%; no homozygotes.

Submissions (6):

Labcorp Genetics (formerly Invitae), Labcorp
Classification: Benign for Dilated cardiomyopathy 1R; Hypertrophic cardiomyopathy 11; Atrial septal defect 5. Last evaluated: 2025-09-19. Review status: criteria provided, single submitter. Criteria: Invitae Variant Classification Sherloc (09022015). Collection method: clinical testing. Allele origin: germline.

All of Us Research Program, National Institutes of Health
Classification: Likely benign for Hypertrophic cardiomyopathy. Last evaluated: 2024-08-13. Review status: criteria provided, single submitter. Criteria: ACMG Guidelines, 2015. Collection method: clinical testing. Allele origin: germline. Inheritance: Autosomal dominant inheritance. Observed: 5 variant alleles, 5 heterozygotes.
Comment: This study involves interpretation of variants in research participants for the purpose of population health screening. Participant phenotype was not available at the time of variant classification. Additional details can be found in publication PMID: 35346344, PMCID: PMC8962531

Ambry Genetics
Classification: Benign for Cardiovascular phenotype. Last evaluated: 2021-10-25. Review status: criteria provided, single submitter. Criteria: Ambry Variant Classification Scheme 2023. Collection method: clinical testing. Allele origin: germline.

Color Diagnostics, LLC DBA Color Health
Classification: Likely benign for Cardiomyopathy. Last evaluated: 2019-05-16. Review status: criteria provided, single submitter. Criteria: ACMG Guidelines, 2015. Collection method: clinical testing. Allele origin: germline.

GeneDx
Classification: Likely benign. Last evaluated: 2018-06-06. Review status: criteria provided, single submitter. Criteria: GeneDx Variant Classification (06012015). Collection method: clinical testing. Allele origin: germline. Affected: yes.
Comment: This variant is considered likely benign or benign based on one or more of the following criteria: it is a conservative change, it occurs at a poorly conserved position in the protein, it is predicted to be benign by multiple in silico algorithms, and/or has population frequency not consistent with disease.

PreventionGenetics, part of Exact Sciences
Classification: Likely benign for ACTC1-related condition. Last evaluated: 2024-03-27. Review status: no assertion criteria provided. Collection method: clinical testing. Allele origin: germline. Not counted in ClinVar's aggregate classification.
Comment: This variant is classified as likely benign based on ACMG/AMP sequence variant interpretation guidelines (Richards et al. 2015 PMID: 25741868, with internal and published modifications).